The following is an entry in ClinVar:

NM_001286577.2(C2CD3):c.4901C>T (p.Thr1634Met)

Gene: C2CD3 (C2 domain containing 3 centriole elongation regulator; minus strand). Cytogenetic location: 11q13.4.
Variant type: single nucleotide variant.
Coding change: c.4901C>T on transcript NM_001286577.2 (MANE Select); coding-DNA position 4901, C replaced by T.
Protein change: p.Thr1634Met; replaces threonine 1634 with methionine.
Molecular consequence: missense variant.
Genome position (GRCh38, 1-based): chr11:74,074,303, G>A on the plus strand (C>T on the coding strand, the complement: C2CD3 is on the minus strand). VCF-style: chr11-74074303-G-A. GRCh37 (hg19) VCF-style: chr11-73785348-G-A.
Other names: c.4901C>T, p.Thr1634Met (NM_015531.6); short protein forms T1634M.
Identifiers: ClinVar variation 1903101 (VCV001903101.3), dbSNP rs559034596, ClinGen allele CA6182047.

ClinVar aggregate classification (germline): Uncertain significance. Review status: criteria provided, multiple submitters, no conflicts (2 of 4 stars). 2 submissions from 2 submitters: Uncertain significance (2). Last evaluated 2022-08-07.

Conditions:
Inborn genetic diseases. Identifiers: MedGen C0950123, MeSH D030342.

Allele frequency attached by ClinVar (database versions not stated): ExAC 0.00001; gnomAD 0.00005; 1000 Genomes Project 30x 0.00016; 1000 Genomes Project 0.00020.
gnomAD v4.1: 69 of 1,614,166 alleles (0.0043%); highest among the groups gnomAD compares: South Asian, 0.03%; no homozygotes.

Submissions (2):

Labcorp Genetics (formerly Invitae), Labcorp
Classification: Uncertain significance. Last evaluated: 2022-08-07. Review status: criteria provided, single submitter. Criteria: Invitae Variant Classification Sherloc (09022015). Collection method: clinical testing. Allele origin: germline.
Comment: This sequence change replaces threonine, which is neutral and polar, with methionine, which is neutral and non-polar, at codon 1634 of the C2CD3 protein (p.Thr1634Met). This variant is present in population databases (rs559034596, gnomAD 0.02%). This variant has not been reported in the literature in individuals affected with C2CD3-related conditions. Algorithms developed to predict the effect of missense changes on protein structure and function are either unavailable or do not agree on the potential impact of this missense change (SIFT: "Deleterious"; PolyPhen-2: "Probably Damaging"; Align-GVGD: "Class C0"). In summary, the available evidence is currently insufficient to determine the role of this variant in disease. Therefore, it has been classified as a Variant of Uncertain Significance.

Ambry Genetics
Classification: Uncertain significance for Inborn genetic diseases. Last evaluated: 2021-10-27. Review status: criteria provided, single submitter. Criteria: Ambry Variant Classification Scheme 2023. Collection method: clinical testing. Allele origin: germline.